The following is an entry in ClinVar:

NM_001365276.2(TNXB):c.3537G>C (p.Trp1179Cys)

Gene: TNXB (tenascin XB; minus strand). Cytogenetic location: 6p21.33.
Variant type: single nucleotide variant.
Coding change: c.3537G>C on transcript NM_001365276.2 (MANE Select); coding-DNA position 3537, G replaced by C.
Protein change: p.Trp1179Cys; replaces tryptophan 1179 with cysteine.
Molecular consequence: missense variant.
Genome position (GRCh38, 1-based): chr6:32,082,235, C>G on the plus strand (G>C on the coding strand, the complement: TNXB is on the minus strand). VCF-style: chr6-32082235-C-G. GRCh37 (hg19) VCF-style: chr6-32050012-C-G.
Other names: c.3537G>C, p.Trp1179Cys (NM_019105.8); short protein forms W1179C.
Identifiers: ClinVar variation 1732413 (VCV001732413.4), dbSNP rs755019154, ClinGen allele CA3735161.

ClinVar aggregate classification (germline): Uncertain significance. Review status: criteria provided, multiple submitters, no conflicts (2 of 4 stars). 2 submissions from 2 submitters: Uncertain significance (2). Last evaluated 2024-08-15.

Conditions:
Cardiovascular phenotype. Identifiers: MedGen CN230736.

Allele frequency attached by ClinVar (database versions not stated): TOPMed below 0.00001; gnomAD exomes 0.00001; ExAC 0.00002.
gnomAD v4.1: 4 of 1,610,554 alleles (0.00025%); highest among the groups gnomAD compares: Admixed American, 0.0017%; no homozygotes.

Submissions (2):

GeneDx
Classification: Uncertain significance. Last evaluated: 2024-08-15. Review status: criteria provided, single submitter. Criteria: GeneDx Variant Classification Process June 2021. Collection method: clinical testing. Allele origin: germline. Affected: yes.
Comment: Has not been previously published as pathogenic or benign to our knowledge; Not observed at significant frequency in large population cohorts (gnomAD); In silico analysis supports that this missense variant has a deleterious effect on protein structure/function

Ambry Genetics
Classification: Uncertain significance for Cardiovascular phenotype. Last evaluated: 2024-06-30. Review status: criteria provided, single submitter. Criteria: Ambry Variant Classification Scheme 2023. Collection method: clinical testing. Allele origin: germline.